The following is an entry in ClinVar:

NM_030665.4(RAI1):c.925G>A (p.Ala309Thr)

Gene: RAI1 (retinoic acid induced 1; plus strand). Cytogenetic location: 17p11.2.
Variant type: single nucleotide variant.
Coding change: c.925G>A on transcript NM_030665.4 (MANE Select); coding-DNA position 925, G replaced by A.
Protein change: p.Ala309Thr; replaces alanine 309 with threonine.
Molecular consequence: missense variant.
Genome position (GRCh38, 1-based): chr17:17,793,873, G>A. VCF-style: chr17-17793873-G-A. GRCh37 (hg19) VCF-style: chr17-17697187-G-A.
Other names: short protein forms A309T.
Identifiers: ClinVar variation 589609 (VCV000589609.17), dbSNP rs542056789, ClinGen allele CA8418235.

ClinVar aggregate classification (germline): Benign/Likely benign. Review status: criteria provided, multiple submitters, no conflicts (2 of 4 stars). 4 submissions from 4 submitters: Benign (1); Likely benign (2). 1 of the submissions does not count toward it. Last evaluated 2025-12-28.

Conditions:
RAI1-related disorder. Also called: RAI1-related condition.
Inborn genetic diseases. Identifiers: MedGen C0950123, MeSH D030342.

Allele frequency attached by ClinVar (database versions not stated): TOPMed 0.00002; gnomAD 0.00005; 1000 Genomes Project 0.00040; 1000 Genomes Project 30x 0.00047.
gnomAD v4.1: 40 of 1,613,582 alleles (0.0025%); highest among the groups gnomAD compares: South Asian, 0.0088%; 2 homozygotes.

Submissions (4):

Labcorp Genetics (formerly Invitae), Labcorp
Classification: Benign. Last evaluated: 2025-12-28. Review status: criteria provided, single submitter. Criteria: Invitae Variant Classification Sherloc (09022015). Collection method: clinical testing. Allele origin: germline.

Genetic Services Laboratory, University of Chicago
Classification: Likely benign. Last evaluated: 2019-04-11. Review status: criteria provided, single submitter. Criteria: ACMG Guidelines, 2015. Collection method: clinical testing. Allele origin: germline. Affected: no.

Ambry Genetics
Classification: Likely benign for Inborn genetic diseases. Last evaluated: 2018-01-05. Review status: criteria provided, single submitter. Criteria: Ambry Variant Classification Scheme 2023. Collection method: clinical testing. Allele origin: germline.

PreventionGenetics, part of Exact Sciences
Classification: Likely benign for RAI1-related condition. Last evaluated: 2023-06-29. Review status: no assertion criteria provided. Collection method: clinical testing. Allele origin: germline. Not counted in ClinVar's aggregate classification.
Comment: This variant is classified as likely benign based on ACMG/AMP sequence variant interpretation guidelines (Richards et al. 2015 PMID: 25741868, with internal and published modifications).